The following is an entry in ClinVar:

ClinVar aggregate classification (germline): Uncertain significance (1 of 4 stars; one submission).

Conditions:
CEP164-related disorder. Also called: CEP164-related condition.

gnomAD v4.1: 12 of 1,613,766 alleles (0.00074%); highest among the groups gnomAD compares: Non-Finnish European, 0.001%; no homozygotes.

Submission:

PreventionGenetics, part of Exact Sciences
Classification: Uncertain significance for CEP164-related condition. Last evaluated: 2025-11-24. Review status: criteria provided, single submitter. Criteria: ACMG Guidelines, 2015. Collection method: clinical testing. Allele origin: germline.
Comment: The CEP164 c.745G>A variant is predicted to result in the amino acid substitution p.Gly249Arg. To our knowledge, this variant has not been reported in the literature. This variant is reported in 0.0018% of alleles in individuals of European (Non-Finnish) descent in gnomAD. At this time, the clinical significance of this variant is uncertain due to the absence of conclusive functional and genetic evidence.

NM_014956.5(CEP164):c.745G>A (p.Gly249Arg)

Gene: CEP164 (centrosomal protein 164; plus strand). Cytogenetic location: 11q23.3.
Variant type: single nucleotide variant.
Coding change: c.745G>A on transcript NM_014956.5 (MANE Select); coding-DNA position 745, G replaced by A.
Protein change: p.Gly249Arg; replaces glycine 249 with arginine.
Molecular consequence: missense variant. On other transcripts: intron variant (20).
Genome position (GRCh38, 1-based): chr11:117,363,486, G>A. VCF-style: chr11-117363486-G-A. GRCh37 (hg19) VCF-style: chr11-117234202-G-A.
Other names: c.745G>A, p.Gly249Arg (NM_001271933.2, NM_001440949.1, NM_001440950.1 and 16 more transcripts); c.607G>A, p.Gly203Arg (NM_001440960.1); c.687+948G>A (NM_001440972.1, NM_001440952.1, NM_001440987.1 and 17 more transcripts); short protein forms G249R, G203R.
Identifiers: ClinVar variation 4996646 (VCV004996646.1).
Genomic context (GRCh38, chr11:117,363,486, plus strand): 5'-TAGAGTGTCCACAGCTCAAGTGAGCCTCTTAGGAACCTACACCTGGACATTGGGGCACTG[G>A]GGGGTGACTTTGAGTATGAGGTAAGAGCCCTAATCCCTACAGGCACATGTGTCAGCCTGG-3'
Protein context (NP_055771.4, residues 239-259): RNLHLDIGAL[Gly249Arg]GDFEYEESLR